The following is an entry in ClinVar:

NM_000138.5(FBN1):c.6323G>A (p.Arg2108His)

Gene: FBN1 (fibrillin 1; minus strand). Cytogenetic location: 15q21.1.
Variant type: single nucleotide variant.
Coding change: c.6323G>A on transcript NM_000138.5 (MANE Select); coding-DNA position 6323, G replaced by A.
Protein change: p.Arg2108His; replaces arginine 2108 with histidine.
Molecular consequence: missense variant.
Genome position (GRCh38, 1-based): chr15:48,437,378, C>T on the plus strand (G>A on the coding strand, the complement: FBN1 is on the minus strand). VCF-style: chr15-48437378-C-T. GRCh37 (hg19) VCF-style: chr15-48729575-C-T.
Other names: short protein forms R2108H.
Identifiers: ClinVar variation 629518 (VCV000629518.17), dbSNP rs762659907, ClinGen allele CA056592.
Genomic context (GRCh38, chr15:48,437,378, plus strand): 5'-TGACCAACTGCTGAATCATCAGGTCCCACGATGATCCCACTTCCATAAGGACATATCTGG[C>T]GGAAGGCCTCTGTGGTGGAGACACTCATTAATAGATAGAACAATAGCAATTCATTACAAG-3'
Protein context (NP_000129.3, residues 2098-2118): LCPTEPDEAF[Arg2108His]QICPYGSGII

ClinVar aggregate classification (germline): Uncertain significance. Review status: criteria provided, multiple submitters, no conflicts (2 of 4 stars). 6 submissions from 6 submitters: Uncertain significance (6). Last evaluated 2024-08-06.

Conditions:
Familial thoracic aortic aneurysm and aortic dissection (TAAD). Also called: Thoracic aortic aneurysms and dissections. Identifiers: Orphanet 91387, MedGen C4707243, MONDO:0019625.
Weill-Marchesani syndrome 2, dominant. Also called: Weill-Marchesani Syndrome, Autosomal Dominant; FBN1-Related Weill-Marchesani Syndrome. Identifiers: Orphanet 2084, MedGen C1869115, MONDO:0012013, OMIM 608328.
Progeroid and marfanoid aspect-lipodystrophy syndrome. Also called: Marfan lipodystrophy syndrome; MARFANOID-PROGEROID SYNDROME; MARFAN-PROGEROID-LIPODYSTROPHY SYNDROME; MARFANOID-PROGEROID-LIPODYSTROPHY SYNDROME. Identifiers: Orphanet 300382, MedGen C4310796, MONDO:0014831, OMIM 616914.
Stiff skin syndrome (SSKS). Identifiers: Orphanet 2833, MedGen C1861456, MONDO:0008492, OMIM 184900.
Acromicric dysplasia (ACMICD). Also called: Acromicric skeletal dysplasia. Identifiers: Orphanet 969, MedGen C0265287, MONDO:0007055, OMIM 102370.
Geleophysic dysplasia 2 (GPHYSD2). Identifiers: Orphanet 2623, MedGen C3280054, MONDO:0013612, OMIM 614185.
Ectopia lentis 1, isolated, autosomal dominant (ECTOL1). Identifiers: Orphanet 1885, MedGen C3541518, MONDO:0007514, OMIM 129600.
Marfan syndrome (MFS). Also called: FBN1-Related Marfan Syndrome; Marfan syndrome type 1; Marfan's syndrome; Marfan syndrome, classic; MARFAN SYNDROME, TYPE I. Identifiers: Orphanet 284963, Orphanet 558, MedGen C0024796, MONDO:0007947, OMIM 154700.
MASS syndrome (OCTD). Also called: MASS PHENOTYPE; OVERLAP CONNECTIVE TISSUE DISEASE. Identifiers: MedGen C1858556, MONDO:0011431, OMIM 604308.

Allele frequency attached by ClinVar (database versions not stated): TOPMed 0.00001; gnomAD 0.00001.
gnomAD v4.1: 11 of 1,612,878 alleles (0.00068%); highest among the groups gnomAD compares: Non-Finnish European, 0.00093%; no homozygotes.

Submissions (6):

All of Us Research Program, National Institutes of Health
Classification: Uncertain significance for Marfan syndrome. Last evaluated: 2024-08-06. Review status: criteria provided, single submitter. Criteria: ACMG Guidelines, 2015. Collection method: clinical testing. Allele origin: germline. Inheritance: Autosomal dominant inheritance. Observed: 4 variant alleles, 4 heterozygotes.
Comment: This missense variant replaces arginine with histidine at codon 2108 of the FBN1 protein. Computational prediction is inconclusive regarding the impact of this variant on protein structure and function (internally defined REVEL score threshold 0.5 < inconclusive < 0.7, PMID: 27666373). To our knowledge, functional studies have not been reported for this variant. This variant has not been reported in individuals affected with cardiovascular disorders in the literature. This variant has been identified in 2/281838 chromosomes in the general population by the Genome Aggregation Database (gnomAD). The available evidence is insufficient to determine the role of this variant in disease conclusively. Therefore, this variant is classified as a Variant of Uncertain Significance.

This study involves interpretation of variants in research participants for the purpose of population health screening. Participant phenotype was not available at the time of variant classification. Additional details can be found in publication PMID: 35346344, PMCID: PMC8962531

Color Diagnostics, LLC DBA Color Health
Classification: Uncertain significance for Familial thoracic aortic aneurysm and aortic dissection. Last evaluated: 2023-08-10. Review status: criteria provided, single submitter. Criteria: ACMG Guidelines, 2015. Collection method: clinical testing. Allele origin: germline.
Comment: This missense variant replaces arginine with histidine at codon 2108 of the FBN1 protein. Computational prediction is inconclusive regarding the impact of this variant on protein structure and function (internally defined REVEL score threshold 0.5 < inconclusive < 0.7, PMID: 27666373). To our knowledge, functional studies have not been reported for this variant. This variant has not been reported in individuals affected with FBN1-related disorders in the literature. This variant has been identified in 2/281838 chromosomes in the general population by the Genome Aggregation Database (gnomAD). The available evidence is insufficient to determine the role of this variant in disease conclusively. Therefore, this variant is classified as a Variant of Uncertain Significance.

Labcorp Genetics (formerly Invitae), Labcorp
Classification: Uncertain significance for Marfan syndrome; Familial thoracic aortic aneurysm and aortic dissection. Last evaluated: 2023-04-22. Review status: criteria provided, single submitter. Criteria: Invitae Variant Classification Sherloc (09022015). Collection method: clinical testing. Allele origin: germline.
Comment: This sequence change replaces arginine, which is basic and polar, with histidine, which is basic and polar, at codon 2108 of the FBN1 protein (p.Arg2108His). In summary, the available evidence is currently insufficient to determine the role of this variant in disease. Therefore, it has been classified as a Variant of Uncertain Significance. This variant disrupts the p.Arg2108 amino acid residue in FBN1. Other variant(s) that disrupt this residue have been determined to be pathogenic (PMID: 27906200; Invitae). This suggests that this residue is clinically significant, and that variants that disrupt this residue are likely to be disease-causing. Advanced modeling of protein sequence and biophysical properties (such as structural, functional, and spatial information, amino acid conservation, physicochemical variation, residue mobility, and thermodynamic stability) has been performed at Invitae for this missense variant, however the output from this modeling did not meet the statistical confidence thresholds required to predict the impact of this variant on FBN1 protein function. ClinVar contains an entry for this variant (Variation ID: 629518). This variant has not been reported in the literature in individuals affected with FBN1-related conditions. The frequency data for this variant in the population databases is considered unreliable, as metrics indicate poor data quality at this position in the gnomAD database.

MGZ Medical Genetics Center
Classification: Uncertain significance for Marfan syndrome. Last evaluated: 2022-03-15. Review status: criteria provided, single submitter. Criteria: ACMG Guidelines, 2015. Collection method: clinical testing. Allele origin: germline. Affected: yes. Observed: 1 variant allele.
Comment: ACMG criteria applied: PM5, PM1_SUP, PM2_SUP, PP2

Fulgent Genetics
Classification: Uncertain significance for Acromicric dysplasia; Ectopia lentis 1, isolated, autosomal dominant; Marfan syndrome; Stiff skin syndrome; MASS syndrome; Weill-Marchesani syndrome 2, dominant; Geleophysic dysplasia 2; Progeroid and marfanoid aspect-lipodystrophy syndrome. Last evaluated: 2021-07-04. Review status: criteria provided, single submitter. Criteria: ACMG Guidelines, 2015. Collection method: clinical testing. Allele origin: unknown.

Centre for Mendelian Genomics, University Medical Centre Ljubljana
Classification: Uncertain significance for Progeroid and marfanoid aspect-lipodystrophy syndrome. Last evaluated: 2019-05-14. Review status: criteria provided, single submitter. Criteria: ACMG Guidelines, 2015. Collection method: clinical testing. Allele origin: unknown. Affected: yes.
Comment: This variant was classified as: Uncertain significance. The available evidence on this variant's pathogenicity is insufficient or conflicting. The following ACMG criteria were applied in classifying this variant: No criteria apply.

Literature cited by the submitters: PubMed 27906200 (cited by Labcorp Genetics (formerly Invitae), Labcorp).